The following is an entry in ClinVar:

ClinVar aggregate classification (germline): Uncertain significance (1 of 4 stars; one submission).

Conditions:
Polyglandular autoimmune syndrome, type 1 (APS1). Also called: Autoimmune polyendocrinopathy syndrome, type I; PGA I; Autoimmune polyendocrine syndrome type 1; Autoimmune polyendocrinopathy syndrome , type I, with or without reversible metaphyseal dysplasia; AUTOIMMUNE POLYENDOCRINE SYNDROME, TYPE I, WITH OR WITHOUT REVERSIBLE METAPHYSEAL DYSPLASIA; HYPOADRENOCORTICISM WITH HYPOPARATHYROIDISM AND SUPERFICIAL MONILIASIS. Identifiers: Orphanet 3453, MedGen C0085859, MONDO:0009411, OMIM 240300.

Allele frequency attached by ClinVar (database versions not stated): ExAC 0.00003; gnomAD 0.00003; gnomAD exomes 0.00003; TOPMed 0.00003.
gnomAD v4.1: 49 of 1,612,636 alleles (0.003%); highest among the groups gnomAD compares: Middle Eastern, 0.016%; no homozygotes.

Submission:

Labcorp Genetics (formerly Invitae), Labcorp
Classification: Uncertain significance for Polyglandular autoimmune syndrome, type 1. Last evaluated: 2025-08-03. Review status: criteria provided, single submitter. Criteria: Invitae Variant Classification Sherloc (09022015). Collection method: clinical testing. Allele origin: germline.
Comment: This sequence change replaces arginine, which is basic and polar, with glutamine, which is neutral and polar, at codon 110 of the AIRE protein (p.Arg110Gln). This variant is present in population databases (rs751369006, gnomAD 0.01%). This variant has not been reported in the literature in individuals affected with AIRE-related conditions. ClinVar contains an entry for this variant (Variation ID: 2198050). Invitae Evidence Modeling of protein sequence and biophysical properties (such as structural, functional, and spatial information, amino acid conservation, physicochemical variation, residue mobility, and thermodynamic stability) indicates that this missense variant is expected to disrupt AIRE protein function with a positive predictive value of 95%. In summary, the available evidence is currently insufficient to determine the role of this variant in disease. Therefore, it has been classified as a Variant of Uncertain Significance.

NM_000383.4(AIRE):c.329G>A (p.Arg110Gln)

Gene: AIRE (autoimmune regulator; plus strand). Cytogenetic location: 21q22.3.
Variant type: single nucleotide variant.
Coding change: c.329G>A on transcript NM_000383.4 (MANE Select); coding-DNA position 329, G replaced by A.
Protein change: p.Arg110Gln; replaces arginine 110 with glutamine.
Molecular consequence: missense variant.
Genome position (GRCh38, 1-based): chr21:44,286,999, G>A. VCF-style: chr21-44286999-G-A. GRCh37 (hg19) VCF-style: chr21-45706882-G-A.
Other names: short protein forms R110Q.
Identifiers: ClinVar variation 2198050 (VCV002198050.4), dbSNP rs751369006, ClinGen allele CA10051532.